The following is an entry in ClinVar:

ClinVar aggregate classification (germline): Pathogenic. Review status: criteria provided, multiple submitters, no conflicts (2 of 4 stars). 4 submissions from 4 submitters: Pathogenic (4). Last evaluated 2026-03-27.

Conditions:
PKD1L1-related disorder. Also called: PKD1L1-related condition.
Heterotaxy, visceral, 8, autosomal (HTX8). Identifiers: MedGen C4310668, MONDO:0014967, OMIM 617205.

Allele frequency attached by ClinVar (database versions not stated): ESP Exome Variant Server 0.00015.
gnomAD v4.1: 192 of 1,605,596 alleles (0.012%); highest among the groups gnomAD compares: Middle Eastern, 0.033%; no homozygotes.

Submissions (4):

PreventionGenetics, part of Exact Sciences
Classification: Pathogenic for PKD1L1-related condition. Last evaluated: 2026-03-27. Review status: criteria provided, single submitter. Criteria: ACMG Guidelines, 2015. Collection method: clinical testing. Allele origin: germline.
Comment: The PKD1L1 c.7663C>T variant is predicted to result in premature protein termination (p.Arg2555*). This variant has been reported as compound heterozygous with a second nonsense variant in PDK1L1 in a patient with situs inversus totalis (Anthony et al. 2022. PubMed ID: 35547246). It has also been reported in a cardiovascular disease cohort, however, clinical details were not provided (Table S1, referred to as Chr7:47849094G>A, Glicksberg et al. 2019. PubMed ID: 31345219). This variant is reported in 0.011% of alleles in individuals of European (Non-Finnish) descent in gnomAD. Nonsense variants in PKD1L1 are expected to be pathogenic. This variant is interpreted as pathogenic.

Women's Health and Genetics/Laboratory Corporation of America, LabCorp
Classification: Pathogenic for Heterotaxy, visceral, 8, autosomal. Last evaluated: 2025-09-11. Review status: criteria provided, single submitter. Criteria: LabCorp Variant Classification Summary - May 2015. Collection method: clinical testing. Allele origin: germline.
Comment: Variant summary: PKD1L1 c.7663C>T (p.Arg2555X) results in a premature termination codon, predicted to cause a truncation of the encoded protein or absence of the protein due to nonsense mediated decay, which are commonly known mechanisms for disease. The variant allele was found at a frequency of 5e-05 in 239476 control chromosomes (gnomAD). This frequency is not significantly higher than estimated for disease-causing variants in PKD1L1, allowing no conclusion about variant significance. c.7663C>T has been observed in compound heterozygous state (with another nonsense variant) in an individual affected with situs inversus totalis (Antony_2022). To our knowledge, no experimental evidence demonstrating an impact on protein function has been reported. The following publication have been ascertained in the context of this evaluation (PMID: 35547246). ClinVar contains an entry for this variant (Variation ID: 1308445). Based on the evidence outlined above, the variant was classified as pathogenic.

Labcorp Genetics (formerly Invitae), Labcorp
Classification: Pathogenic. Last evaluated: 2025-04-21. Review status: criteria provided, single submitter. Criteria: Invitae Variant Classification Sherloc (09022015). Collection method: clinical testing. Allele origin: germline.
Comment: This sequence change creates a premature translational stop signal (p.Arg2555*) in the PKD1L1 gene. It is expected to result in an absent or disrupted protein product. Loss-of-function variants in PKD1L1 are known to be pathogenic (PMID: 27616478). This variant is present in population databases (rs200853469, gnomAD 0.01%). This premature translational stop signal has been observed in individual(s) with laterality defect (PMID: 35547246). ClinVar contains an entry for this variant (Variation ID: 1308445). For these reasons, this variant has been classified as Pathogenic.

GeneDx
Classification: Pathogenic. Last evaluated: 2023-06-07. Review status: criteria provided, single submitter. Criteria: GeneDx Variant Classification Process June 2021. Collection method: clinical testing. Allele origin: germline. Affected: yes.
Comment: Nonsense variant predicted to result in protein truncation and nonsense mediated decay in a gene for which loss-of-function is a known mechanism of disease; This variant is associated with the following publications: (PMID: 31345219, 35547246)

Literature cited by the submitters: PubMed 35547246 (cited by Women's Health and Genetics/Laboratory Corporation of America, LabCorp and Labcorp Genetics (formerly Invitae), Labcorp); PubMed 27616478 (cited by Labcorp Genetics (formerly Invitae), Labcorp).

NM_138295.5(PKD1L1):c.7663C>T (p.Arg2555Ter)

Genes: PKD1L1 (polycystin 1 like 1, transient receptor potential channel interacting; minus strand), PKD1L1-AS1 (PKD1L1 antisense RNA 1; plus strand). Cytogenetic location: 7p12.3.
Variant type: single nucleotide variant.
Coding change: c.7663C>T on transcript NM_138295.5 (MANE Select); coding-DNA position 7663, C replaced by T.
Protein change: p.Arg2555Ter; replaces arginine 2555 with a stop codon.
Molecular consequence: nonsense.
Genome position (GRCh38, 1-based): chr7:47,809,496, G>A on the plus strand (C>T on the coding strand, the complement: PKD1L1 is on the minus strand). VCF-style: chr7-47809496-G-A. GRCh37 (hg19) VCF-style: chr7-47849094-G-A.
Other names: c.7663C>T (NM_138295.3); short protein forms R2555*.
Identifiers: ClinVar variation 1308445 (VCV001308445.8), dbSNP rs200853469, ClinGen allele CA4251958.